The following is an entry in ClinVar:

ClinVar aggregate classification (germline): Uncertain significance (1 of 4 stars; one submission).

Conditions:
Developmental and epileptic encephalopathy, 9 (DEE9). Also called: Early infantile epileptic encephalopathy 9; JUBERG-HELLMAN SYNDROME; EPILEPSY, FEMALE-RESTRICTED, WITH MENTAL RETARDATION; PCDH19-Related X-Linked Female-Limited Epilepsy with Mental Retardation. Identifiers: Orphanet 101039, Orphanet 2076, MedGen C1848137, MONDO:0010246, OMIM 300088. Disease mechanism: loss of function.

Submission:

Labcorp Genetics (formerly Invitae), Labcorp
Classification: Uncertain significance for Developmental and epileptic encephalopathy, 9. Last evaluated: 2019-06-12. Review status: criteria provided, single submitter. Criteria: Invitae Variant Classification Sherloc (09022015). Collection method: clinical testing. Allele origin: germline.
Comment: In summary, the available evidence is currently insufficient to determine the role of this variant in disease. Therefore, it has been classified as a Variant of Uncertain Significance. Algorithms developed to predict the effect of missense changes on protein structure and function are either unavailable or do not agree on the potential impact of this missense change (SIFT: "Tolerated"; PolyPhen-2: "Possibly Damaging"; Align-GVGD: "Class C0"). This variant has not been reported in the literature in individuals with PCDH19-related conditions. This variant is not present in population databases (ExAC no frequency). This sequence change replaces arginine with proline at codon 218 of the PCDH19 protein (p.Arg218Pro). The arginine residue is weakly conserved and there is a moderate physicochemical difference between arginine and proline.

NM_001184880.2(PCDH19):c.653G>C (p.Arg218Pro)

Gene: PCDH19 (protocadherin 19; minus strand). Cytogenetic location: Xq22.1.
Variant type: single nucleotide variant.
Coding change: c.653G>C on transcript NM_001184880.2 (MANE Select); coding-DNA position 653, G replaced by C.
Protein change: p.Arg218Pro; replaces arginine 218 with proline.
Molecular consequence: missense variant.
Genome position (GRCh38, 1-based): chrX:100,407,945, C>G on the plus strand (G>C on the coding strand, the complement: PCDH19 is on the minus strand). VCF-style: chrX-100407945-C-G. GRCh37 (hg19) VCF-style: chrX-99662943-C-G.
Other names: c.653G>C, p.Arg218Pro (NM_001105243.2, NM_020766.3); short protein forms R218P.
Identifiers: ClinVar variation 936497 (VCV000936497.10), dbSNP rs1210258504, ClinGen allele CA414008837.